The following is an entry in ClinVar:

NM_206933.4(USH2A):c.9425G>A (p.Gly3142Glu)

Gene: USH2A (usherin; minus strand). Cytogenetic location: 1q41.
Variant type: single nucleotide variant.
Coding change: c.9425G>A on transcript NM_206933.4 (MANE Select); coding-DNA position 9425, G replaced by A.
Protein change: p.Gly3142Glu; replaces glycine 3142 with glutamic acid.
Molecular consequence: missense variant.
Genome position (GRCh38, 1-based): chr1:215,817,142, C>T on the plus strand (G>A on the coding strand, the complement: USH2A is on the minus strand). VCF-style: chr1-215817142-C-T. GRCh37 (hg19) VCF-style: chr1-215990484-C-T.
Other names: short protein forms G3142E.
Identifiers: ClinVar variation 1489092 (VCV001489092.8), dbSNP rs1003254008, ClinGen allele CA344825210.

ClinVar aggregate classification (germline): Uncertain significance (1 of 4 stars; one submission).

Submission:

Labcorp Genetics (formerly Invitae), Labcorp
Classification: Uncertain significance. Last evaluated: 2021-05-05. Review status: criteria provided, single submitter. Criteria: Invitae Variant Classification Sherloc (09022015). Collection method: clinical testing. Allele origin: germline.
Comment: This variant is not present in population databases (ExAC no frequency). This sequence change replaces glycine with glutamic acid at codon 3142 of the USH2A protein (p.Gly3142Glu). The glycine residue is highly conserved and there is a moderate physicochemical difference between glycine and glutamic acid. This variant has not been reported in the literature in individuals with USH2A-related conditions. Algorithms developed to predict the effect of missense changes on protein structure and function (SIFT, PolyPhen-2, Align-GVGD) all suggest that this variant is likely to be disruptive, but these predictions have not been confirmed by published functional studies and their clinical significance is uncertain. In summary, the available evidence is currently insufficient to determine the role of this variant in disease. Therefore, it has been classified as a Variant of Uncertain Significance.